The following is an entry in ClinVar:

NM_001130987.2(DYSF):c.587G>A (p.Gly196Glu)

Gene: DYSF (dysferlin; plus strand). Cytogenetic location: 2p13.2.
Variant type: single nucleotide variant.
Coding change: c.587G>A on transcript NM_001130987.2 (MANE Select); coding-DNA position 587, G replaced by A.
Protein change: p.Gly196Glu; replaces glycine 196 with glutamic acid.
Molecular consequence: missense variant.
Genome position (GRCh38, 1-based): chr2:71,513,749, G>A. VCF-style: chr2-71513749-G-A. GRCh37 (hg19) VCF-style: chr2-71740879-G-A.
Other names: c.494G>A, p.Gly165Glu (NM_001130455.2, NM_001130983.2, NM_001130984.2 and 1 more transcripts); c.491G>A, p.Gly164Glu (NM_001130976.2, NM_001130977.2, NM_001130978.2 and 1 more transcripts); c.584G>A, p.Gly195Glu (NM_001130979.2, NM_001130980.2, NM_001130981.2); c.587G>A, p.Gly196Glu (NM_001130982.2, NM_001130985.2); short protein forms G165E, G195E, G196E, G164E.
Identifiers: ClinVar variation 2181893 (VCV002181893.1), dbSNP rs761906797, ClinGen allele CA1705386.

ClinVar aggregate classification (germline): Uncertain significance (1 of 4 stars; one submission).

Conditions:
Neuromuscular disease caused by qualitative or quantitative defects of dysferlin. Also called: Dysferlinopathy; Qualitative or quantitative defects of dysferlin. Identifiers: Orphanet 207073, MedGen C2931687, MONDO:0016145.

Allele frequency attached by ClinVar (database versions not stated): gnomAD exomes below 0.00001; ExAC 0.00002.

Submission:

Labcorp Genetics (formerly Invitae), Labcorp
Classification: Uncertain significance for Neuromuscular disease caused by qualitative or quantitative defects of dysferlin. Last evaluated: 2020-10-19. Review status: criteria provided, single submitter. Criteria: Invitae Variant Classification Sherloc (09022015). Collection method: clinical testing. Allele origin: germline.
Comment: This sequence change replaces glycine with glutamic acid at codon 164 of the DYSF protein (p.Gly164Glu). The glycine residue is moderately conserved and there is a moderate physicochemical difference between glycine and glutamic acid. This variant is present in population databases (rs761906797, ExAC 0.003%). This variant has not been reported in the literature in individuals with DYSF-related conditions. Advanced modeling of protein sequence and biophysical properties (such as structural, functional, and spatial information, amino acid conservation, physicochemical variation, residue mobility, and thermodynamic stability) performed at Invitae indicates that this missense variant is not expected to disrupt DYSF protein function. In summary, the available evidence is currently insufficient to determine the role of this variant in disease. Therefore, it has been classified as a Variant of Uncertain Significance.